The following is an entry in ClinVar:

NM_006206.6(PDGFRA):c.1391T>C (p.Ile464Thr)

Gene: PDGFRA (platelet derived growth factor receptor alpha; plus strand). Cytogenetic location: 4q12.
Variant type: single nucleotide variant.
Coding change: c.1391T>C on transcript NM_006206.6 (MANE Select); coding-DNA position 1391, T replaced by C.
Protein change: p.Ile464Thr; replaces isoleucine 464 with threonine.
Molecular consequence: missense variant.
Genome position (GRCh38, 1-based): chr4:54,273,563, T>C. VCF-style: chr4-54273563-T-C. GRCh37 (hg19) VCF-style: chr4-55139730-T-C.
Other names: c.1391T>C, p.Ile464Thr (NM_001347827.2, NM_001347829.2); c.1466T>C, p.Ile489Thr (NM_001347828.2); c.1430T>C, p.Ile477Thr (NM_001347830.2); short protein forms I464T, I489T, I477T.
Identifiers: ClinVar variation 4665281 (VCV004665281.1).

ClinVar aggregate classification (germline): Uncertain significance (1 of 4 stars; one submission).

Conditions:
Hereditary cancer-predisposing syndrome. Also called: Neoplastic Syndromes, Hereditary; Tumor predisposition; Hereditary Cancer Syndrome; Hereditary neoplastic syndrome. Identifiers: Orphanet 140162, MedGen C0027672, MeSH D009386, MONDO:0015356.

gnomAD v4.1: 1 of 1,614,058 alleles (0.000062%); highest among the groups gnomAD compares: South Asian, 0.0011%; no homozygotes.

Submission:

Ambry Genetics
Classification: Uncertain significance for Hereditary cancer-predisposing syndrome. Last evaluated: 2025-10-28. Review status: criteria provided, single submitter. Criteria: Ambry Variant Classification Scheme 2023. Collection method: clinical testing. Allele origin: germline.
Comment: The p.I464T variant (also known as c.1391T>C), located in coding exon 9 of the PDGFRA gene, results from a T to C substitution at nucleotide position 1391. The isoleucine at codon 464 is replaced by threonine, an amino acid with similar properties. This amino acid position is conserved. In addition, this alteration is predicted to be tolerated by in silico analysis. Based on the available evidence, the clinical significance of this variant remains unclear.